The following is an entry in ClinVar:

ClinVar aggregate classification (germline): Pathogenic/Likely pathogenic. Review status: criteria provided, multiple submitters, no conflicts (2 of 4 stars). 3 submissions from 3 submitters: Pathogenic (1); Likely pathogenic (2). Last evaluated 2026-01-17.

Conditions:
RLBP1-related disorder. Also called: RLBP1-related condition; RLBP1-related disorders. Identifiers: MedGen CN239413.
Bothnia retinal dystrophy. Also called: VASTERBOTTEN DYSTROPHY. Identifiers: Orphanet 85128, MedGen C1843816, MONDO:0011838, OMIM 607475.
Newfoundland cone-rod dystrophy. Identifiers: MedGen C1843815, MONDO:0011839, OMIM 607476.
Pigmentary retinal dystrophy. Also called: Fundus albipunctatus. Identifiers: Orphanet 227796, Orphanet 52427, MedGen C0311338, MONDO:0007639, OMIM 136880, HP:0030642.

Submissions (3):

Labcorp Genetics (formerly Invitae), Labcorp
Classification: Pathogenic. Last evaluated: 2026-01-17. Review status: criteria provided, single submitter. Criteria: Invitae Variant Classification Sherloc (09022015). Collection method: clinical testing. Allele origin: germline.
Comment: This sequence change is expected to alter the c-terminus of the RLBP1 protein (p.Gln278Argfs*51). While this is not anticipated to result in nonsense mediated decay, it is expected to disrupt the last 40 amino acid(s) of the RLBP1 protein and extend the protein by 10 additional amino acid residues. This variant is not present in population databases (gnomAD no frequency). This frameshift has been observed in individuals with RLBP1-related conditions (PMID: 10102299; internal data). This variant is also known as Gln*278(1-bp del). ClinVar contains an entry for this variant (Variation ID: 1482179). Algorithms developed to predict the effect of sequence changes on RNA splicing suggest that this variant may create or strengthen a splice site. This variant disrupts a region of the RLBP1 protein in which other variant(s) (p.Gln278*) have been determined to be pathogenic (PMID: 22559933, 25429852, 33851411; internal data). This suggests that this is a clinically significant region of the protein, and that variants that disrupt it are likely to be disease-causing. For these reasons, this variant has been classified as Pathogenic.

Blueprint Genetics
Classification: Likely pathogenic for RLBP1-related disorders. Last evaluated: 2024-08-07. Review status: criteria provided, single submitter. Criteria: ACMG Guidelines, 2015. Collection method: clinical testing. Allele origin: germline. Affected: yes. Observed: 5 variant alleles.

Fulgent Genetics
Classification: Likely pathogenic for Pigmentary retinal dystrophy; Bothnia retinal dystrophy; Newfoundland cone-rod dystrophy. Last evaluated: 2024-06-10. Review status: criteria provided, single submitter. Criteria: ACMG Guidelines, 2015. Collection method: clinical testing. Allele origin: germline.

Literature cited by the submitters: PubMed 10102299 (cited by Labcorp Genetics (formerly Invitae), Labcorp); PubMed 22559933 (cited by Labcorp Genetics (formerly Invitae), Labcorp); PubMed 25429852 (cited by Labcorp Genetics (formerly Invitae), Labcorp); PubMed 33851411 (cited by Labcorp Genetics (formerly Invitae), Labcorp).

NM_000326.5(RLBP1):c.832del (p.Gln278fs)

Gene: RLBP1 (retinaldehyde binding protein 1; minus strand). Cytogenetic location: 15q26.1.
Variant type: Deletion.
Coding change: c.832del on transcript NM_000326.5 (MANE Select); coding-DNA position 832, one base deleted (C; older notation c.832delC).
Protein change: p.Gln278fs; shifts the reading frame from glutamine 278.
Molecular consequence: frameshift variant.
Genome position (GRCh38, 1-based): chr15:89,210,407, G deleted on the plus strand (C on the coding strand, the reverse complement: RLBP1 is on the minus strand); the first of 2 consecutive G bases (chr15:89,210,407-89,210,408); deleting either gives the same sequence. VCF-style (leftmost placement, unchanged base first): chr15-89210406-TG-T. GRCh37 (hg19) VCF-style: chr15-89753637-TG-T.
Other names: short protein forms Q278fs.
Identifiers: ClinVar variation 1482179 (VCV001482179.8), dbSNP rs2051527389, ClinGen allele CA492074123.